The following is an entry in ClinVar:

ClinVar aggregate classification (germline): Uncertain significance (1 of 4 stars; one submission).

Conditions:
Centromeric instability of chromosomes 1,9 and 16 and immunodeficiency (ICF1). Also called: Immunodeficiency-centromeric instability-facial anomalies; IMMUNE DEFICIENCY, VARIABLE, WITH CENTROMERIC INSTABILITY OF CHROMOSOMES 1, 9, AND 16; IMMUNODEFICIENCY SYNDROME, VARIABLE; CENTROMERIC INSTABILITY, IMMUNODEFICIENCY SYNDROME. Identifiers: Orphanet 2268, MedGen C0398788, MONDO:0000133.

Allele frequency attached by ClinVar (database versions not stated): gnomAD 0.00001.
gnomAD v4.1: 1 of 1,613,964 alleles (0.000062%); no homozygotes.

Submission:

Labcorp Genetics (formerly Invitae), Labcorp
Classification: Uncertain significance for Centromeric instability of chromosomes 1,9 and 16 and immunodeficiency. Last evaluated: 2022-01-12. Review status: criteria provided, single submitter. Criteria: Invitae Variant Classification Sherloc (09022015). Collection method: clinical testing. Allele origin: germline.
Comment: In summary, the available evidence is currently insufficient to determine the role of this variant in disease. Therefore, it has been classified as a Variant of Uncertain Significance. Algorithms developed to predict the effect of missense changes on protein structure and function are either unavailable or do not agree on the potential impact of this missense change (SIFT: "Tolerated"; PolyPhen-2: "Probably Damaging"; Align-GVGD: "Class C0"). This variant has not been reported in the literature in individuals affected with DNMT3B-related conditions. This variant is not present in population databases (gnomAD no frequency). This sequence change replaces glutamic acid, which is acidic and polar, with glycine, which is neutral and non-polar, at codon 686 of the DNMT3B protein (p.Glu686Gly).

NM_006892.4(DNMT3B):c.2057A>G (p.Glu686Gly)

Gene: DNMT3B (DNA methyltransferase 3 beta; plus strand). Cytogenetic location: 20q11.21.
Variant type: single nucleotide variant.
Coding change: c.2057A>G on transcript NM_006892.4 (MANE Select); coding-DNA position 2057, A replaced by G.
Protein change: p.Glu686Gly; replaces glutamic acid 686 with glycine.
Molecular consequence: missense variant.
Genome position (GRCh38, 1-based): chr20:32,801,338, A>G. VCF-style: chr20-32801338-A-G. GRCh37 (hg19) VCF-style: chr20-31389144-A-G.
Other names: c.1871A>G, p.Glu624Gly (NM_001207055.2); c.1769A>G, p.Glu590Gly (NM_001207056.2); c.1997A>G, p.Glu666Gly (NM_175848.2, NM_175849.2); c.2033A>G, p.Glu678Gly (NM_175850.3); short protein forms E590G, E678G, E624G, E686G, E666G.
Identifiers: ClinVar variation 1475896 (VCV001475896.8), dbSNP rs1981317235, ClinGen allele CA408589225.